The following is an entry in ClinVar:

ClinVar aggregate classification (germline): Conflicting classifications of pathogenicity. Review status: criteria provided, conflicting classifications (1 of 4 stars). 9 submissions from 9 submitters: Pathogenic (5); Likely pathogenic (2); Uncertain significance (1). 1 of the submissions does not count toward it. Last evaluated 2026-02-28.

Conditions:
Inborn genetic diseases. Identifiers: MedGen C0950123, MeSH D030342.
Multiple sulfatase deficiency (MSD). Also called: Multiple Sulfatase Deficiency Disease; Sulfatidosis, Juvenile, Austin Type; Mucosulfatidosis. Identifiers: Orphanet 585, MedGen C0268263, MONDO:0010088, OMIM 272200.

Submissions (9):

Dasa
Classification: Pathogenic. Last evaluated: 2026-02-28. Review status: criteria provided, single submitter. Criteria: DASA Assertion Criteria. Collection method: clinical testing. Allele origin: germline.
Comment: NM_182760.4(SUMF1):c.785A>G (p.Gln262Arg) is a missense variant that results in the substitution of glutamine with arginine. Segregation evidence has been reported in affected families. This variant has been observed in affected individuals with related phenotype in a genotype context consistent with recessive disease (PMID: 30124108; PMID: 28454995). This variant has been recurrently observed in individuals with related phenotype (PMID: 30124108; PMID: 28454995). Multiple computational predictions support a deleterious effect on the gene or gene product. The variant is present at low frequency in population datasets. Based on the available data, this variant is classified as pathogenic.

Daryl Scott Lab, Baylor College of Medicine
Classification: Pathogenic for Multiple sulfatase deficiency. Last evaluated: 2025-08-25. Review status: criteria provided, single submitter. Criteria: ACMG Guidelines, 2015. Collection method: clinical testing. Allele origin: unknown. Affected: yes. Observed: 1 homozygote.
Comment: PS4, PM2, PP3

Genomic Medicine Center of Excellence, King Faisal Specialist Hospital and Research Centre
Classification: Likely pathogenic for Multiple sulfatase deficiency. Last evaluated: 2025-01-04. Review status: criteria provided, single submitter. Criteria: ACMG Guidelines, 2015. Collection method: clinical testing. Allele origin: germline.

Labcorp Genetics (formerly Invitae), Labcorp
Classification: Pathogenic for Multiple sulfatase deficiency. Last evaluated: 2023-10-28. Review status: criteria provided, single submitter. Criteria: Invitae Variant Classification Sherloc (09022015). Collection method: clinical testing. Allele origin: germline.
Comment: This sequence change replaces glutamine, which is neutral and polar, with arginine, which is basic and polar, at codon 262 of the SUMF1 protein (p.Gln262Arg). This variant is not present in population databases (gnomAD no frequency). This missense change has been observed in individuals with multiple sulfatase deficiency (PMID: 28454995, 30124108). It has also been observed to segregate with disease in related individuals. ClinVar contains an entry for this variant (Variation ID: 418724). Advanced modeling of protein sequence and biophysical properties (such as structural, functional, and spatial information, amino acid conservation, physicochemical variation, residue mobility, and thermodynamic stability) performed at Invitae indicates that this missense variant is not expected to disrupt SUMF1 protein function with a negative predictive value of 80%. For these reasons, this variant has been classified as Pathogenic.

GeneDx
Classification: Likely pathogenic. Last evaluated: 2022-06-17. Review status: criteria provided, single submitter. Criteria: GeneDx Variant Classification Process June 2021. Collection method: clinical testing. Allele origin: germline. Affected: yes.
Comment: Not observed at significant frequency in large population cohorts (gnomAD); In silico analysis supports that this missense variant has a deleterious effect on protein structure/function; This variant is associated with the following publications: (PMID: 30124108, 28720891, 31130284, 28454995)

Genome-Nilou Lab
Classification: Pathogenic for Multiple sulfatase deficiency. Last evaluated: 2021-09-05. Review status: criteria provided, single submitter. Criteria: ACMG Guidelines, 2015. Collection method: clinical testing. Allele origin: germline. Affected: no.

Baylor Genetics
Classification: Pathogenic for Multiple sulfatase deficiency. Last evaluated: 2020-04-14. Review status: criteria provided, single submitter. Criteria: ACMG Guidelines, 2015. Collection method: clinical testing. Allele origin: unknown. Affected: yes.
Comment: This variant was determined to be pathogenic according to ACMG Guidelines, 2015 [PMID:25741868].

Ambry Genetics
Classification: Uncertain significance for Hereditary disease. Last evaluated: 2017-08-15. Review status: criteria provided, single submitter. Criteria: ambry_reporting_categories_2017. Collection method: clinical testing. Allele origin: germline. Affected: yes. Observed: 1 homozygote. Segregation with disease observed.
Comment: Lines of evidence used in support of classification: NEGATIVE - No Relevant Alterations Detected (Step 2)

Biochemical Molecular Genetic Laboratory, King Abdulaziz Medical City
Classification: Pathogenic for Multiple sulfatase deficiency. Last evaluated: 2018-05-03. Review status: no assertion criteria provided. Collection method: clinical testing. Allele origin: germline. Affected: yes. Not counted in ClinVar's aggregate classification.

Literature cited by the submitters: PubMed 30124108 (cited by Dasa and Labcorp Genetics (formerly Invitae), Labcorp); PubMed 28454995 (cited by Dasa and Labcorp Genetics (formerly Invitae), Labcorp); PubMed 15907468 (cited by Ambry Genetics); PubMed 21224894 (cited by Ambry Genetics); PubMed 25885655 (cited by Ambry Genetics); PubMed 12757706 (cited by Ambry Genetics); PubMed 11737681 (cited by Ambry Genetics); PubMed 2894304 (cited by Ambry Genetics); PubMed 18157819 (cited by Ambry Genetics).

NM_182760.4(SUMF1):c.785A>G (p.Gln262Arg)

Gene: SUMF1 (sulfatase modifying factor 1; minus strand). Cytogenetic location: 3p26.1.
Variant type: single nucleotide variant.
Coding change: c.785A>G on transcript NM_182760.4 (MANE Select); coding-DNA position 785, A replaced by G.
Protein change: p.Gln262Arg; replaces glutamine 262 with arginine.
Molecular consequence: missense variant.
Genome position (GRCh38, 1-based): chr3:4,417,183, T>C on the plus strand (A>G on the coding strand, the complement: SUMF1 is on the minus strand). VCF-style: chr3-4417183-T-C. GRCh37 (hg19) VCF-style: chr3-4458867-T-C.
Other names: c.710A>G, p.Gln237Arg (NM_001164674.2); c.785A>G, p.Gln262Arg (NM_001164675.2); c.710A>G (NM_001164674.1); short protein forms Q262R, Q237R.
Identifiers: ClinVar variation 418724 (VCV000418724.18), dbSNP rs1064793391, ClinGen allele CA16617969.
Genomic context (GRCh38, chr3:4,417,183, plus strand): 5'-CTCACAGGCGCAGTTCCTTGGAAGCCATCCTCACCAGTGTTGGTCACCGGAAACTCGCCC[T>C]GCCAAATGTTGGCATAATGCTGGCCTTTGGGCTGCAGTTTGTTGCCCCAGGGGAAAAGTC-3'
Protein context (NP_877437.2, residues 252-272): PKGQHYANIW[Gln262Arg]GEFPVTNTGE